The following is an entry in ClinVar:

ClinVar aggregate classification (germline): Conflicting classifications of pathogenicity. Review status: criteria provided, conflicting classifications (1 of 4 stars). 3 submissions from 3 submitters: Pathogenic (1); Uncertain significance (1). 1 of the submissions does not count toward it. Last evaluated 2022-05-04.

Conditions:
Ovarian dysgenesis 2 (ODG2). Also called: OVARIAN DYSGENESIS, HYPERGONADOTROPIC, X-LINKED; OVARIAN FAILURE, HYPERGONADOTROPIC, DUE TO OVARIAN DYSGENESIS. Identifiers: Orphanet 243, MedGen C1845294, MONDO:0010349, OMIM 300510.
Premature ovarian failure 4 (POF4). Identifiers: MedGen C1845295, MONDO:0800317, MeSH C564499.

Allele frequency attached by ClinVar (database versions not stated): gnomAD exomes 0.00016 and 0.00041; TOPMed 0.00019; gnomAD 0.00025 and 0.00033; ExAC 0.00066; 1000 Genomes Project 0.00132; 1000 Genomes Project 30x 0.00146.
gnomAD v4.1: 213 of 1,193,726 alleles (0.018%); highest among the groups gnomAD compares: South Asian, 0.29%; 1 homozygote.

Submissions (3):

Mendelics
Classification: Pathogenic for Ovarian dysgenesis 2. Last evaluated: 2022-05-04. Review status: criteria provided, single submitter. Criteria: Mendelics Assertion Criteria 2019. Collection method: clinical testing. Allele origin: germline.

Illumina Laboratory Services, Illumina
Classification: Uncertain significance for Ovarian dysgenesis 2. Last evaluated: 2017-09-12. Review status: criteria provided, single submitter. Criteria: ICSL Variant Classification Criteria 13 December 2019. Collection method: clinical testing. Allele origin: germline.
Comment: This variant was observed as part of a predisposition screen in an ostensibly healthy population. A literature search was performed for the gene, cDNA change, and amino acid change (where applicable). Publications were found based on this search. However, the evidence from the literature, in combination with allele frequency data from public databases where available, was not sufficient to rule this variant in or out of causing disease. Therefore, this variant is classified as a variant of unknown significance.

OMIM
Classification: Pathogenic for PREMATURE OVARIAN FAILURE 4. Last evaluated: 2006-05-01. Review status: no assertion criteria provided. Collection method: literature only. Allele origin: germline. Not counted in ClinVar's aggregate classification.

Literature cited by the submitters: PubMed 16508750 (cited by Illumina Laboratory Services, Illumina and OMIM); PubMed 20547206 (cited by Illumina Laboratory Services, Illumina).

NM_005448.2(BMP15):c.226C>T (p.Arg76Cys)

Gene: BMP15 (bone morphogenetic protein 15; plus strand). Cytogenetic location: Xp11.22.
Variant type: single nucleotide variant.
Coding change: c.226C>T on transcript NM_005448.2 (MANE Select); coding-DNA position 226, C replaced by T.
Protein change: p.Arg76Cys; replaces arginine 76 with cysteine.
Molecular consequence: missense variant.
Genome position (GRCh38, 1-based): chrX:50,911,009, C>T. VCF-style: chrX-50911009-C-T. GRCh37 (hg19) VCF-style: chrX-50654009-C-T.
Other names: short protein forms R76C.
Identifiers: ClinVar variation 11471 (VCV000011471.7), dbSNP rs104894766, ClinGen allele CA121501.